The following is an entry in ClinVar:

NM_020312.4(COQ9):c.102G>A (p.Pro34=)

Gene: COQ9 (coenzyme Q9; plus strand). Cytogenetic location: 16q21.
Variant type: single nucleotide variant.
Coding change: c.102G>A on transcript NM_020312.4 (MANE Select); coding-DNA position 102, G replaced by A.
Protein change: p.Pro34=; no amino-acid change (proline 34 retained).
Molecular consequence: synonymous variant.
Genome position (GRCh38, 1-based): chr16:57,451,068, G>A. VCF-style: chr16-57451068-G-A. GRCh37 (hg19) VCF-style: chr16-57484980-G-A.
Other names: p.P34P:CCG>CCA.
Identifiers: ClinVar variation 136993 (VCV000136993.18), dbSNP rs223864, ClinGen allele CA290452.

ClinVar aggregate classification (germline): Benign. Review status: criteria provided, multiple submitters, no conflicts (2 of 4 stars). 5 submissions from 5 submitters: Benign (4). 1 of the submissions does not count toward it. Last evaluated 2026-02-04.

Conditions:
Encephalopathy-hypertrophic cardiomyopathy-renal tubular disease syndrome. Identifiers: Orphanet 319678, MedGen C3553374, MONDO:0013840, OMIM 614654.

Allele frequency attached by ClinVar (database versions not stated): 1000 Genomes Project 0.02037; 1000 Genomes Project 30x 0.02061; gnomAD exomes 0.02542 and 0.02982; ExAC 0.02570; gnomAD 0.02809 and 0.02864; TOPMed 0.02855; ESP Exome Variant Server 0.03155.
gnomAD v4.1: 47,870 of 1,613,974 alleles (3%); highest among the groups gnomAD compares: Middle Eastern, 5.3%; 813 homozygotes.

Submissions (5):

Labcorp Genetics (formerly Invitae), Labcorp
Classification: Benign. Last evaluated: 2026-02-04. Review status: criteria provided, single submitter. Criteria: Invitae Variant Classification Sherloc (09022015). Collection method: clinical testing. Allele origin: germline.

Illumina Laboratory Services, Illumina
Classification: Benign for Encephalopathy-hypertrophic cardiomyopathy-renal tubular disease syndrome. Last evaluated: 2018-01-12. Review status: criteria provided, single submitter. Criteria: ICSL Variant Classification Criteria 13 December 2019. Collection method: clinical testing. Allele origin: germline.
Comment: This variant was observed in the ICSL laboratory as part of a predisposition screen in an ostensibly healthy population. It had not been previously curated by ICSL or reported in the Human Gene Mutation Database (HGMD: prior to June 1st, 2018), and was therefore a candidate for classification through an automated scoring system. Utilizing variant allele frequency, disease prevalence and penetrance estimates, and inheritance mode, an automated score was calculated to assess if this variant is too frequent to cause the disease. Based on the score and internal cut-off values, a variant classified as benign is not then subjected to further curation. The score for this variant resulted in a classification of benign for this disease.

GeneDx
Classification: Benign. Last evaluated: 2012-07-10. Review status: criteria provided, single submitter. Criteria: GeneDx Variant Classification (06012015). Collection method: clinical testing. Allele origin: germline. Affected: yes.
Comment: This variant is considered likely benign or benign based on one or more of the following criteria: it is a conservative change, it occurs at a poorly conserved position in the protein, it is predicted to be benign by multiple in silico algorithms, and/or has population frequency not consistent with disease.

Breakthrough Genomics
Classification: Benign. Review status: criteria provided, single submitter. Criteria: ACMG Guidelines, 2015. Collection method: not provided. Allele origin: germline. Inheritance: Autosomal recessive inheritance. Affected: yes.

Mayo Clinic Laboratories, Mayo Clinic
Classification: Benign. Last evaluated: 2016-02-23. Review status: no assertion criteria provided. Collection method: clinical testing. Allele origin: unknown. Not counted in ClinVar's aggregate classification.